The following is an entry in ClinVar:

ClinVar aggregate classification (germline): Conflicting classifications of pathogenicity. Review status: criteria provided, conflicting classifications (1 of 4 stars). 4 submissions from 4 submitters: Uncertain significance (2); Likely benign (2). Last evaluated 2025-01-08.

Allele frequency attached by ClinVar (database versions not stated): gnomAD exomes 0.00001 and 0.00010; ExAC 0.00002; gnomAD 0.00004; TOPMed 0.00004.
gnomAD v4.1: 154 of 1,614,048 alleles (0.0095%); highest among the groups gnomAD compares: Non-Finnish European, 0.012%; 1 homozygote.

Submissions (4):

Labcorp Genetics (formerly Invitae), Labcorp
Classification: Likely benign. Last evaluated: 2025-01-08. Review status: criteria provided, single submitter. Criteria: Invitae Variant Classification Sherloc (09022015). Collection method: clinical testing. Allele origin: germline.

GeneDx
Classification: Uncertain significance. Last evaluated: 2024-06-20. Review status: criteria provided, single submitter. Criteria: GeneDx Variant Classification Process June 2021. Collection method: clinical testing. Allele origin: germline. Affected: yes.
Comment: Has not been previously published as pathogenic or benign to our knowledge; In silico analysis supports that this missense variant has a deleterious effect on protein structure/function; Not located in the triple helical region, where the majority of pathogenic missense variants occur (HGMD)

Blueprint Genetics
Classification: Likely benign. Last evaluated: 2022-09-01. Review status: criteria provided, single submitter. Criteria: ACMG Guidelines, 2015. Collection method: clinical testing. Allele origin: germline.

Eurofins Ntd Llc (ga)
Classification: Uncertain significance. Last evaluated: 2017-10-04. Review status: criteria provided, single submitter. Criteria: EGL Classification Definitions 2015. Collection method: clinical testing. Allele origin: germline. Observed: 3 variant alleles, 3 heterozygotes.

NM_001844.5(COL2A1):c.3842G>A (p.Arg1281His)

Gene: COL2A1 (collagen type II alpha 1 chain; minus strand). Cytogenetic location: 12q13.11.
Variant type: single nucleotide variant.
Coding change: c.3842G>A on transcript NM_001844.5 (MANE Select); coding-DNA position 3842, G replaced by A.
Protein change: p.Arg1281His; replaces arginine 1281 with histidine.
Molecular consequence: missense variant.
Genome position (GRCh38, 1-based): chr12:47,975,361, C>T on the plus strand (G>A on the coding strand, the complement: COL2A1 is on the minus strand). VCF-style: chr12-47975361-C-T. GRCh37 (hg19) VCF-style: chr12-48369144-C-T.
Other names: c.3635G>A, p.Arg1212His (NM_033150.3); c.3842G>A (NM_001844.4); short protein forms R1281H, R1212H.
Identifiers: ClinVar variation 282753 (VCV000282753.13), dbSNP rs763097721, ClinGen allele CA6534629.
Genomic context (GRCh38, chr12:47,975,361, plus strand): 5'-TGTTCTCCAAGCTTACCACTCTTCCACTCAGGGTGGCAGAGTTTCAGGTCTCTGCAGGTG[C>T]GAGCAGGGTTCTTGCGGGAGCCCTCGGGGCTGCGGATGCTCTCAATCTGGTTGTTGAGGG-3'
Protein context (NP_001835.3, residues 1271-1291): SPEGSRKNPA[Arg1281His]TCRDLKLCHP